The following is an entry in ClinVar:

NM_001283009.2(RTEL1):c.2904T>G (p.Cys968Trp)

Genes: RTEL1 (regulator of telomere elongation helicase 1; plus strand), RTEL1-TNFRSF6B (RTEL1-TNFRSF6B readthrough (NMD candidate); plus strand). Cytogenetic location: 20q13.33.
Variant type: single nucleotide variant.
Coding change: c.2904T>G on transcript NM_001283009.2 (MANE Select); coding-DNA position 2904, T replaced by G.
Protein change: p.Cys968Trp; replaces cysteine 968 with tryptophan.
Molecular consequence: missense variant. On other transcripts: non-coding transcript variant (1).
Genome position (GRCh38, 1-based): chr20:63,693,195, T>G. VCF-style: chr20-63693195-T-G. GRCh37 (hg19) VCF-style: chr20-62324548-T-G.
Other names: c.2235T>G, p.Cys745Trp (NM_001283010.1); c.2904T>G, p.Cys968Trp (NM_016434.4); c.2976T>G, p.Cys992Trp (NM_032957.5); short protein forms C745W, C968W, C992W.
Identifiers: ClinVar variation 4629644 (VCV004629644.1).

ClinVar aggregate classification (germline): Uncertain significance (1 of 4 stars; one submission).

Conditions:
Inborn genetic diseases. Identifiers: MedGen C0950123, MeSH D030342.

Submission:

Ambry Genetics
Classification: Uncertain significance for Inborn genetic diseases. Last evaluated: 2025-12-07. Review status: criteria provided, single submitter. Criteria: Ambry Variant Classification Scheme 2023. Collection method: clinical testing. Allele origin: germline.
Comment: The p.C968W variant (also known as c.2904T>G), located in coding exon 29 of the RTEL1 gene, results from a T to G substitution at nucleotide position 2904. The cysteine at codon 968 is replaced by tryptophan, an amino acid with highly dissimilar properties. This amino acid position is conserved. In addition, this alteration is predicted to be tolerated by in silico analysis. Based on the available evidence, the clinical significance of this variant remains unclear.